The following is an entry in ClinVar:

NM_016729.3(FOLR1):c.343C>T (p.Pro115Ser)

Genes: FOLR1 (folate receptor alpha; plus strand), FOLR1-AS1 (FOLR1 antisense RNA 1; minus strand). Cytogenetic location: 11q13.4.
Variant type: single nucleotide variant.
Coding change: c.343C>T on transcript NM_016729.3 (MANE Select); coding-DNA position 343, C replaced by T.
Protein change: p.Pro115Ser; replaces proline 115 with serine.
Molecular consequence: missense variant.
Genome position (GRCh38, 1-based): chr11:72,195,445, C>T. VCF-style: chr11-72195445-C-T. GRCh37 (hg19) VCF-style: chr11-71906489-C-T.
Other names: c.343C>T, p.Pro115Ser (NM_000802.3, NM_016724.3, NM_016725.3); short protein forms P115S.
Identifiers: ClinVar variation 1522717 (VCV001522717.5), dbSNP rs749242260, ClinGen allele CA6169157.

ClinVar aggregate classification (germline): Uncertain significance (1 of 4 stars; one submission).

Conditions:
Cerebral folate transport deficiency. Also called: FOLATE RECEPTOR DEFICIENCY; FOLR1-Related Cerebral Folate Transport Deficiency; NEURODEGENERATION DUE TO CEREBRAL FOLATE TRANSPORT DEFICIENCY; Cerebral folate deficiency syndrome; Neurodegenerative syndrome due to cerebral folate transport deficiency. Identifiers: Orphanet 217382, MedGen C2751584, MONDO:0013110, OMIM 613068. Disease mechanism: loss of function.

Allele frequency attached by ClinVar (database versions not stated): gnomAD exomes below 0.00001 and 0.00001; TOPMed below 0.00001; ExAC 0.00001; gnomAD 0.00001.
gnomAD v4.1: 12 of 1,614,094 alleles (0.00074%); highest among the groups gnomAD compares: Non-Finnish European, 0.001%; no homozygotes.

Submission:

Labcorp Genetics (formerly Invitae), Labcorp
Classification: Uncertain significance for Cerebral folate transport deficiency. Last evaluated: 2021-08-31. Review status: criteria provided, single submitter. Criteria: Invitae Variant Classification Sherloc (09022015). Collection method: clinical testing. Allele origin: germline.
Comment: This sequence change replaces proline with serine at codon 115 of the FOLR1 protein (p.Pro115Ser). The proline residue is highly conserved and there is a moderate physicochemical difference between proline and serine. This variant is present in population databases (rs749242260, ExAC 0.001%). This variant has not been reported in the literature in individuals affected with FOLR1-related conditions. Algorithms developed to predict the effect of missense changes on protein structure and function (SIFT, PolyPhen-2, Align-GVGD) all suggest that this variant is likely to be disruptive. In summary, the available evidence is currently insufficient to determine the role of this variant in disease. Therefore, it has been classified as a Variant of Uncertain Significance.